The following is an entry in ClinVar:

ClinVar aggregate classification (germline): Uncertain significance (1 of 4 stars; one submission).

Conditions:
Amelocerebrohypohidrotic syndrome (KTZS). Also called: EPILEPSY AND YELLOW TEETH; EPILEPSY, DEMENTIA, AND AMELOGENESIS IMPERFECTA; KOHLSCHUTTER SYNDROME; Kohlschutter's syndrome. Identifiers: Orphanet 1946, MedGen C0406740, MONDO:0009185, OMIM 226750.

Allele frequency attached by ClinVar (database versions not stated): TOPMed 0.00002.
gnomAD v4.1: 1 of 1,613,616 alleles (0.000062%); highest among the groups gnomAD compares: African/African-American, 0.0013%; no homozygotes.

Submission:

Labcorp Genetics (formerly Invitae), Labcorp
Classification: Uncertain significance for Amelocerebrohypohidrotic syndrome. Last evaluated: 2022-12-06. Review status: criteria provided, single submitter. Criteria: Invitae Variant Classification Sherloc (09022015). Collection method: clinical testing. Allele origin: germline.
Comment: This sequence change replaces isoleucine, which is neutral and non-polar, with valine, which is neutral and non-polar, at codon 251 of the ROGDI protein (p.Ile251Val). This variant is not present in population databases (gnomAD no frequency). This variant has not been reported in the literature in individuals affected with ROGDI-related conditions. ClinVar contains an entry for this variant (Variation ID: 1413060). Algorithms developed to predict the effect of missense changes on protein structure and function output the following: SIFT: "Tolerated"; PolyPhen-2: "Benign"; Align-GVGD: "Class C0". The valine amino acid residue is found in multiple mammalian species, which suggests that this missense change does not adversely affect protein function. In summary, the available evidence is currently insufficient to determine the role of this variant in disease. Therefore, it has been classified as a Variant of Uncertain Significance.

NM_024589.3(ROGDI):c.751A>G (p.Ile251Val)

Gene: ROGDI (rogdi atypical leucine zipper; minus strand). Cytogenetic location: 16p13.3.
Variant type: single nucleotide variant.
Coding change: c.751A>G on transcript NM_024589.3 (MANE Select); coding-DNA position 751, A replaced by G.
Protein change: p.Ile251Val; replaces isoleucine 251 with valine.
Molecular consequence: missense variant. On other transcripts: non-coding transcript variant (1).
Genome position (GRCh38, 1-based): chr16:4,797,785, T>C on the plus strand (A>G on the coding strand, the complement: ROGDI is on the minus strand). VCF-style: chr16-4797785-T-C. GRCh37 (hg19) VCF-style: chr16-4847786-T-C.
Other names: short protein forms I251V.
Identifiers: ClinVar variation 1413060 (VCV001413060.5), dbSNP rs2082670325, ClinGen allele CA394648785.